The following is an entry in ClinVar:

ClinVar aggregate classification (germline): Uncertain significance (1 of 4 stars; one submission).

Submission:

CeGaT Center for Human Genetics Tuebingen
Classification: Uncertain significance. Last evaluated: 2026-05-01. Review status: criteria provided, single submitter. Criteria: CeGaT Center For Human Genetics Tuebingen Variant Classification Criteria Version 2. Collection method: clinical testing. Allele origin: germline. Affected: yes. Observed: 1 variant allele.
Comment: DEPDC5: PM2

NM_001242896.3(DEPDC5):c.4237G>A (p.Gly1413Ser)

Gene: DEPDC5 (DEP domain containing 5, GATOR1 subcomplex subunit; plus strand). Cytogenetic location: 22q12.3.
Variant type: single nucleotide variant.
Coding change: c.4237G>A on transcript NM_001242896.3 (MANE Select); coding-DNA position 4237, G replaced by A.
Protein change: p.Gly1413Ser; replaces glycine 1413 with serine.
Molecular consequence: missense variant. On other transcripts: non-coding transcript variant (5).
Genome position (GRCh38, 1-based): chr22:31,897,515, G>A. VCF-style: chr22-31897515-G-A. GRCh37 (hg19) VCF-style: chr22-32293501-G-A.
Other names: c.4210G>A, p.Gly1404Ser (NM_001136029.4); c.3937G>A, p.Gly1313Ser (NM_001242897.2); c.4171G>A, p.Gly1391Ser (NM_001363852.2, NM_001364320.2); c.4003G>A, p.Gly1335Ser (NM_001363854.2, NM_001364319.2); c.4237G>A, p.Gly1413Ser (NM_001364318.2); c.4153G>A, p.Gly1385Ser (NM_001369901.1, NM_001369902.1); c.4144G>A, p.Gly1382Ser (NM_001369903.1, NM_014662.6); short protein forms G1313S, G1335S, G1382S, G1385S, G1391S, G1404S, G1413S.
Identifiers: ClinVar variation 4874944 (VCV004874944.2).
Genomic context (GRCh38, chr22:31,897,515, plus strand): 5'-ATTGTTTGTTTCTGTACTTTCCGCCAGGTCCAAGGTTGGCATCGGAAAGCCACCTCCTGT[G>A]GCTTCTTGTTAGTCCCAGTTTTGGAGGGGCCTTTTGCACTGCCCAGTTACCTGTATGGCG-3'
Protein context (NP_001229825.1, residues 1403-1423): QGWHRKATSC[Gly1413Ser]FLLVPVLEGP